The following is an entry in ClinVar:

ClinVar aggregate classification (germline): Likely pathogenic (1 of 4 stars; one submission).

Submission:

Labcorp Genetics (formerly Invitae), Labcorp
Classification: Likely pathogenic. Last evaluated: 2022-05-30. Review status: criteria provided, single submitter. Criteria: Invitae Variant Classification Sherloc (09022015). Collection method: clinical testing. Allele origin: germline.
Comment: Advanced modeling of protein sequence and biophysical properties (such as structural, functional, and spatial information, amino acid conservation, physicochemical variation, residue mobility, and thermodynamic stability) performed at Invitae indicates that this missense variant is expected to disrupt COL4A5 protein function. This variant disrupts the triple helix domain of COL4A5. Glycine residues within the Gly-Xaa-Yaa repeats of the triple helix domain are required for the structure and stability of fibrillar collagens (PMID: 7695699, 8218237, 19344236). In COL4A5, missense variants at these glycine residues are significantly enriched in individuals with disease (PMID: 23720012, 27627812) compared to the general population (ExAC). This variant is not present in population databases (gnomAD no frequency). This missense change has been observed in individual(s) with Alport syndrome (Invitae). In summary, the currently available evidence indicates that the variant is pathogenic, but additional data are needed to prove that conclusively. Therefore, this variant has been classified as Likely Pathogenic. This sequence change replaces glycine, which is neutral and non-polar, with glutamic acid, which is acidic and polar, at codon 561 of the COL4A5 protein (p.Gly561Glu).

Literature cited by the submitters: PubMed 7695699; PubMed 8218237; PubMed 19344236; PubMed 23720012; PubMed 27627812.

NM_033380.3(COL4A5):c.1682G>A (p.Gly561Glu)

Gene: COL4A5 (collagen type IV alpha 5 chain; plus strand). Cytogenetic location: Xq22.3.
Variant type: single nucleotide variant.
Coding change: c.1682G>A on transcript NM_033380.3 (MANE Select); coding-DNA position 1682, G replaced by A.
Protein change: p.Gly561Glu; replaces glycine 561 with glutamic acid.
Molecular consequence: missense variant.
Genome position (GRCh38, 1-based): chrX:108,597,471, G>A. VCF-style: chrX-108597471-G-A. GRCh37 (hg19) VCF-style: chrX-107840701-G-A.
Other names: c.1682G>A, p.Gly561Glu (NM_000495.5); short protein forms G561E.
Identifiers: ClinVar variation 1993770 (VCV001993770.4), dbSNP rs2524308395, ClinGen allele CA413845394.